The following is an entry in ClinVar:

ClinVar aggregate classification (germline): Likely benign (0 of 4 stars; one submission).

Conditions:
TSIX-related disorder. Also called: TSIX-related condition.

Allele frequency attached by ClinVar (database versions not stated): gnomAD 0.00010; TOPMed 0.00013; ExAC 0.00027; gnomAD exomes 0.00039; 1000 Genomes Project 0.00106; 1000 Genomes Project 30x 0.00125.
gnomAD v4.1: 176 of 557,166 alleles (0.032%); highest among the groups gnomAD compares: East Asian, 0.56%; 1 homozygote.

Submission:

PreventionGenetics, part of Exact Sciences
Classification: Likely benign for TSIX-related condition. Last evaluated: 2022-03-23. Review status: no assertion criteria provided. Collection method: clinical testing. Allele origin: germline.
Comment: This variant is classified as likely benign based on ACMG/AMP sequence variant interpretation guidelines (Richards et al. 2015 PMID: 25741868, with internal and published modifications).

NR_003255.2(TSIX):n.29983A>C

Genes: TSIX (TSIX transcript, XIST antisense RNA; plus strand), XIST (X inactive specific transcript; minus strand). Cytogenetic location: Xq13.2.
Variant type: single nucleotide variant.
Molecular consequence: non-coding transcript variant (on NR_003255.2).
Genome position: GRCh38 VCF-style: chrX-73822187-A-C. GRCh37 (hg19) VCF-style: chrX-73042022-A-C.
Identifiers: ClinVar variation 3048329 (VCV003048329.2), dbSNP rs780532376, ClinGen allele CA10451859.